The following is an entry in ClinVar:

ClinVar aggregate classification (germline): Uncertain significance. Review status: criteria provided, multiple submitters, no conflicts (2 of 4 stars). 2 submissions from 2 submitters: Uncertain significance (2). Last evaluated 2024-10-30.

Conditions:
Inborn genetic diseases. Identifiers: MedGen C0950123, MeSH D030342.

Allele frequency attached by ClinVar (database versions not stated): ESP Exome Variant Server 0.00008.

Submissions (2):

Labcorp Genetics (formerly Invitae), Labcorp
Classification: Uncertain significance. Last evaluated: 2024-10-30. Review status: criteria provided, single submitter. Criteria: Invitae Variant Classification Sherloc (09022015). Collection method: clinical testing. Allele origin: germline.
Comment: This sequence change replaces arginine, which is basic and polar, with leucine, which is neutral and non-polar, at codon 1128 of the DUOX2 protein (p.Arg1128Leu). This variant is present in population databases (rs374614801, gnomAD 0.0009%). This variant has not been reported in the literature in individuals affected with DUOX2-related conditions. ClinVar contains an entry for this variant (Variation ID: 1493145). Invitae Evidence Modeling of protein sequence and biophysical properties (such as structural, functional, and spatial information, amino acid conservation, physicochemical variation, residue mobility, and thermodynamic stability) indicates that this missense variant is expected to disrupt DUOX2 protein function with a positive predictive value of 80%. In summary, the available evidence is currently insufficient to determine the role of this variant in disease. Therefore, it has been classified as a Variant of Uncertain Significance.

Ambry Genetics
Classification: Uncertain significance for Inborn genetic diseases. Last evaluated: 2023-11-20. Review status: criteria provided, single submitter. Criteria: Ambry Variant Classification Scheme 2023. Collection method: clinical testing. Allele origin: germline.

NM_001363711.2(DUOX2):c.3383G>T (p.Arg1128Leu)

Gene: DUOX2 (dual oxidase 2; minus strand). Cytogenetic location: 15q21.1.
Variant type: single nucleotide variant.
Coding change: c.3383G>T on transcript NM_001363711.2 (MANE Select); coding-DNA position 3383, G replaced by T.
Protein change: p.Arg1128Leu; replaces arginine 1128 with leucine.
Molecular consequence: missense variant.
Genome position (GRCh38, 1-based): chr15:45,099,694, C>A on the plus strand (G>T on the coding strand, the complement: DUOX2 is on the minus strand). VCF-style: chr15-45099694-C-A. GRCh37 (hg19) VCF-style: chr15-45391892-C-A.
Other names: c.3383G>T, p.Arg1128Leu (NM_014080.5); c.3383G>T (NM_014080.4); short protein forms R1128L.
Identifiers: ClinVar variation 1493145 (VCV001493145.6), dbSNP rs374614801, ClinGen allele CA7537896.